The following is an entry in ClinVar:

NM_152269.5(MTRFR):c.71G>A (p.Arg24Gln)

Gene: MTRFR (mitochondrial translation release factor in rescue; plus strand). Cytogenetic location: 12q24.31.
Variant type: single nucleotide variant.
Coding change: c.71G>A on transcript NM_152269.5 (MANE Select); coding-DNA position 71, G replaced by A.
Protein change: p.Arg24Gln; replaces arginine 24 with glutamine.
Molecular consequence: missense variant.
Genome position (GRCh38, 1-based): chr12:123,253,745, G>A. VCF-style: chr12-123253745-G-A. GRCh37 (hg19) VCF-style: chr12-123738292-G-A.
Other names: p.Arg24Gln; c.71G>A, p.Arg24Gln (NM_001143905.2, NM_001194995.1); short protein forms R24Q.
Identifiers: ClinVar variation 1212115 (VCV001212115.13), dbSNP rs144150548, ClinGen allele CA6856511.

ClinVar aggregate classification (germline): Conflicting classifications of pathogenicity. Review status: criteria provided, conflicting classifications (1 of 4 stars). 4 submissions from 4 submitters: Uncertain significance (3); Likely benign (1). Last evaluated 2025-12-11.

Conditions:
MTRFR-related disorder. Also called: MTRFR-related condition.
Combined oxidative phosphorylation defect type 7. Identifiers: Orphanet 254930, MedGen C3150801, MONDO:0013306, OMIM 613559.
Spastic paraplegia. Identifiers: MedGen C0037772, HP:0001258.

Allele frequency attached by ClinVar (database versions not stated): ESP Exome Variant Server 0.00046; gnomAD 0.00054 and 0.00058; TOPMed 0.00057; 1000 Genomes Project 30x 0.00078; 1000 Genomes Project 0.00100.
gnomAD v4.1: 155 of 1,614,130 alleles (0.0096%); highest among the groups gnomAD compares: African/African-American, 0.15%; no homozygotes.

Submissions (4):

Mayo Clinic Laboratories, Mayo Clinic
Classification: Uncertain significance. Last evaluated: 2025-12-11. Review status: criteria provided, single submitter. Criteria: ACMG Guidelines, 2015. Collection method: clinical testing. Allele origin: germline. Observed: 2 variant alleles.
Comment: BP4_moderate

PreventionGenetics, part of Exact Sciences
Classification: Likely benign for MTRFR-related condition. Last evaluated: 2024-10-28. Review status: criteria provided, single submitter. Criteria: ACMG Guidelines, 2015. Collection method: clinical testing. Allele origin: germline.
Comment: This variant is classified as likely benign based on ACMG/AMP sequence variant interpretation guidelines (Richards et al. 2015 PMID: 25741868, with internal and published modifications).

GeneDx
Classification: Uncertain significance. Last evaluated: 2024-02-27. Review status: criteria provided, single submitter. Criteria: GeneDx Variant Classification Process June 2021. Collection method: clinical testing. Allele origin: germline. Affected: yes.
Comment: In silico analysis supports that this missense variant has a deleterious effect on protein structure/function; Has not been previously published as pathogenic or benign to our knowledge

Labcorp Genetics (formerly Invitae), Labcorp
Classification: Uncertain significance for Combined oxidative phosphorylation defect type 7; Spastic paraplegia. Last evaluated: 2022-10-17. Review status: criteria provided, single submitter. Criteria: Invitae Variant Classification Sherloc (09022015). Collection method: clinical testing. Allele origin: germline.
Comment: This sequence change replaces arginine, which is basic and polar, with glutamine, which is neutral and polar, at codon 24 of the C12orf65 protein (p.Arg24Gln). This variant is present in population databases (rs144150548, gnomAD 0.2%). This variant has not been reported in the literature in individuals affected with C12orf65-related conditions. ClinVar contains an entry for this variant (Variation ID: 1212115). Algorithms developed to predict the effect of missense changes on protein structure and function output the following: SIFT: "Tolerated"; PolyPhen-2: "Benign"; Align-GVGD: "Class C0". The glutamine amino acid residue is found in multiple mammalian species, which suggests that this missense change does not adversely affect protein function. In summary, the available evidence is currently insufficient to determine the role of this variant in disease. Therefore, it has been classified as a Variant of Uncertain Significance.